The following is an entry in ClinVar:

NM_001082486.2(ACD):c.1084G>A (p.Val362Met)

Gene: ACD (ACD shelterin complex subunit and telomerase recruitment factor; minus strand). Cytogenetic location: 16q22.1.
Variant type: single nucleotide variant.
Coding change: c.1084G>A on transcript NM_001082486.2 (MANE Select); coding-DNA position 1084, G replaced by A.
Protein change: p.Val362Met; replaces valine 362 with methionine.
Molecular consequence: missense variant.
Genome position (GRCh38, 1-based): chr16:67,658,108, C>T on the plus strand (G>A on the coding strand, the complement: ACD is on the minus strand). VCF-style: chr16-67658108-C-T. GRCh37 (hg19) VCF-style: chr16-67692011-C-T.
Other names: c.997G>A, p.Val333Met (NM_001410884.1); c.1075G>A, p.Val359Met (NM_022914.3); short protein forms V359M, V333M, V362M.
Identifiers: ClinVar variation 3479728 (VCV003479728.1).
Genomic context (GRCh38, chr16:67,658,108, plus strand): 5'-TCTTGCAGGGCAACCCTACAAACTCCTTGAACTCCAGGCTAGGTTTCTGGGGCCTGGTCA[C>T]AAGAGCCTGGTGTGGACTGGGGACATGGCTACGGGGTGAGAGACTGGGAGTGCAGCTCTG-3'
Protein context (NP_001075955.2, residues 352-372): SHVPSPHQAL[Val362Met]TRPQKPSLEF

ClinVar aggregate classification (germline): Uncertain significance (1 of 4 stars; one submission).

Conditions:
Inborn genetic diseases. Identifiers: MedGen C0950123, MeSH D030342.

Submission:

Ambry Genetics
Classification: Uncertain significance for Inborn genetic diseases. Last evaluated: 2024-09-04. Review status: criteria provided, single submitter. Criteria: Ambry Variant Classification Scheme 2023. Collection method: clinical testing. Allele origin: germline.
Comment: The p.V448M variant (also known as c.1342G>A), located in coding exon 10 of the ACD gene, results from a G to A substitution at nucleotide position 1342. The valine at codon 448 is replaced by methionine, an amino acid with highly similar properties. This amino acid position is conserved. In addition, this alteration is predicted to be tolerated by in silico analysis. Based on the available evidence, the clinical significance of this variant remains unclear.